The following is an entry in ClinVar:

ClinVar aggregate classification (germline): other (0 of 4 stars; one submission).

Conditions:
Familial colorectal cancer. Identifiers: MedGen CN280943, MONDO:0023113. Disease mechanism: loss of function.

Allele frequency attached by ClinVar (database versions not stated): TOPMed 0.40092; 1000 Genomes Project 30x 0.42942; 1000 Genomes Project 0.43490.
gnomAD v4.1: 59,933 of 151,990 alleles (39%); highest among the groups gnomAD compares: East Asian, 67%; 14,266 homozygotes.

Submission:

Systems Biology Platform Zhejiang California International NanoSystems Institute
Classification: other for Familial colorectal cancer. Review status: no assertion criteria provided. Collection method: not provided. Allele origin: unknown.
ClinVar note: Converted during submission from cancer to other.

NM_000038.6(APC):c.835-6748A>T

Gene: APC (APC regulator of WNT signaling pathway; plus strand). Cytogenetic location: 5q22.2.
Variant type: single nucleotide variant.
Coding change: c.835-6748A>T on transcript NM_000038.6 (MANE Select); 6748 bases into the intron before coding-DNA position 835, A replaced by T.
Molecular consequence: intron variant.
Genome position (GRCh38, 1-based): chr5:112,808,747, A>T. VCF-style: chr5-112808747-A-T. GRCh37 (hg19) VCF-style: chr5-112144444-A-T.
Other names: c.835-6748A>T (NM_001354895.2, NM_001127510.3, NM_001354896.2 and 1 more transcripts); c.865-6748A>T (NM_001354897.2, NM_001354902.2); c.781-6748A>T (NM_001127511.3); c.760-6748A>T (NM_001354898.2, NM_001354904.2); c.-201-1379A>T (NM_001354906.2); c.751-6748A>T (NM_001354899.2); c.658-6748A>T (NM_001354900.2, NM_001354901.2, NM_001354905.2).
Identifiers: ClinVar variation 83071 (VCV000083071.2), dbSNP rs1914, ClinGen allele CA015363.
Genomic context (GRCh38, chr5:112,808,747, plus strand): 5'-GGTTTGAGCCATCATGCCTGGCTTCCAAATGTTTTTTTTATAGAGTGTCCCATACTCTAG[A>T]TTTTGCTGATGACTCCCCATGATATACTTCAACATGTTTCTTTATCATCTGTATGTCCTA-3'